The following is an entry in ClinVar:

ClinVar aggregate classification (germline): Likely benign (0 of 4 stars; one submission).

Conditions:
MC3R-related disorder. Also called: MC3R-related condition.

gnomAD v4.1: 16 of 1,614,026 alleles (0.00099%); highest among the groups gnomAD compares: Admixed American, 0.0033%; no homozygotes.

Submission:

PreventionGenetics, part of Exact Sciences
Classification: Likely benign for MC3R-related condition. Last evaluated: 2023-11-28. Review status: no assertion criteria provided. Collection method: clinical testing. Allele origin: germline.
Comment: This variant is classified as likely benign based on ACMG/AMP sequence variant interpretation guidelines (Richards et al. 2015 PMID: 25741868, with internal and published modifications).

NM_019888.3(MC3R):c.555C>T (p.Ser185=)

Gene: MC3R (melanocortin 3 receptor; plus strand). Cytogenetic location: 20q13.2.
Variant type: single nucleotide variant.
Coding change: c.555C>T on transcript NM_019888.3 (MANE Select); coding-DNA position 555, C replaced by T.
Protein change: p.Ser185=; no amino-acid change (serine 185 retained).
Molecular consequence: synonymous variant.
Genome position (GRCh38, 1-based): chr20:56,249,398, C>T. VCF-style: chr20-56249398-C-T. GRCh37 (hg19) VCF-style: chr20-54824454-C-T.
Identifiers: ClinVar variation 3355282 (VCV003355282.1).